The following is an entry in ClinVar:

ClinVar aggregate classification (germline): Likely benign. Review status: criteria provided, single submitter (1 of 4 stars). 2 submissions from 2 submitters: Likely benign (1). 1 of the submissions does not count toward it. Last evaluated 2024-10-17.

Conditions:
SCAPER-related disorder. Also called: SCAPER-related condition.

Allele frequency attached by ClinVar (database versions not stated): ESP Exome Variant Server 0.00008; ExAC 0.00010; TOPMed 0.00010; gnomAD 0.00011; gnomAD exomes 0.00021.
gnomAD v4.1: 343 of 1,609,672 alleles (0.021%); highest among the groups gnomAD compares: Middle Eastern, 1.5%; 3 homozygotes.

Submissions (2):

Blueprint Genetics
Classification: Likely benign. Last evaluated: 2024-10-17. Review status: criteria provided, single submitter. Criteria: ACMG Guidelines, 2015. Collection method: clinical testing. Allele origin: germline.

PreventionGenetics, part of Exact Sciences
Classification: Likely benign for SCAPER-related condition. Last evaluated: 2024-08-08. Review status: no assertion criteria provided. Collection method: clinical testing. Allele origin: germline. Not counted in ClinVar's aggregate classification.
Comment: This variant is classified as likely benign based on ACMG/AMP sequence variant interpretation guidelines (Richards et al. 2015 PMID: 25741868, with internal and published modifications).

NM_020843.4(SCAPER):c.2712-7A>G

Gene: SCAPER (S-phase cyclin A associated protein in the ER; minus strand). Cytogenetic location: 15q24.3.
Variant type: single nucleotide variant.
Coding change: c.2712-7A>G on transcript NM_020843.4 (MANE Select); 7 bases into the intron before coding-DNA position 2712, A replaced by G.
Molecular consequence: intron variant.
Genome position (GRCh38, 1-based): chr15:76,574,291, T>C on the plus strand (A>G on the coding strand, the complement: SCAPER is on the minus strand). VCF-style: chr15-76574291-T-C. GRCh37 (hg19) VCF-style: chr15-76866632-T-C.
Other names: c.2328-7A>G (NM_001353011.2); c.2310-7A>G (NM_001353012.2, NM_001353010.2); c.2730-7A>G (NM_001353009.2); c.1974-7A>G (NM_001145923.2).
Identifiers: ClinVar variation 3040081 (VCV003040081.3), dbSNP rs200049532, ClinGen allele CA7674616.